The following is an entry in ClinVar:

NM_003809.3(TNFSF12):c.674G>A (p.Arg225Gln)

Genes: TNFSF12 (TNF superfamily member 12; plus strand), TNFSF12-TNFSF13 (TNFSF12-TNFSF13 readthrough; plus strand). Cytogenetic location: 17p13.1.
Variant type: single nucleotide variant.
Coding change: c.674G>A on transcript NM_003809.3 (MANE Select); coding-DNA position 674, G replaced by A.
Protein change: p.Arg225Gln; replaces arginine 225 with glutamine.
Molecular consequence: missense variant. On other transcripts: non-coding transcript variant (1), intron variant (1).
Genome position (GRCh38, 1-based): chr17:7,557,274, G>A. VCF-style: chr17-7557274-G-A. GRCh37 (hg19) VCF-style: chr17-7460591-G-A.
Other names: c.498+372G>A (NM_172089.4); short protein forms R225Q.
Identifiers: ClinVar variation 624092 (VCV000624092.48), dbSNP rs576689580, ClinGen allele CA8350899.
Genomic context (GRCh38, chr17:7,557,274, plus strand): 5'-CCCAGCTCCGCCTCTGCCAGGTGTCTGGGCTGTTGGCCCTGCGGCCAGGGTCCTCCCTGC[G>A]GATCCGCACCCTCCCCTGGGCCCATCTCAAGGCTGCCCCCTTCCTCACCTACTTCGGACT-3'
Protein context (NP_003800.1, residues 215-235): LLALRPGSSL[Arg225Gln]IRTLPWAHLK

ClinVar aggregate classification (germline): Conflicting classifications of pathogenicity. Review status: criteria provided, conflicting classifications (1 of 4 stars). 4 submissions from 4 submitters: Uncertain significance (3); Likely benign (1). Last evaluated 2026-01-24.

Conditions:
TNFSF12-related disorder. Also called: TNFSF12-related condition.
Common variable immunodeficiency (CVID). Also called: Common variable agammaglobulinemia; Common variable hypogamma-globulinemia. Identifiers: Orphanet 1572, MedGen C0009447, MONDO:0015517.

Allele frequency attached by ClinVar (database versions not stated): ExAC 0.00001; gnomAD exomes 0.00001 and 0.00002; gnomAD 0.00002 and 0.00003; TOPMed 0.00003; 1000 Genomes Project 0.00020; 1000 Genomes Project 30x 0.00031.
gnomAD v4.1: 20 of 1,613,770 alleles (0.0012%); highest among the groups gnomAD compares: Admixed American, 0.005%; no homozygotes.

Submissions (4):

Labcorp Genetics (formerly Invitae), Labcorp
Classification: Uncertain significance for Common variable immunodeficiency. Last evaluated: 2026-01-24. Review status: criteria provided, single submitter. Criteria: Invitae Variant Classification Sherloc (09022015). Collection method: clinical testing. Allele origin: germline.
Comment: This sequence change replaces arginine, which is basic and polar, with glutamine, which is neutral and polar, at codon 225 of the TNFSF12 protein (p.Arg225Gln). This variant is present in population databases (rs576689580, gnomAD 0.003%). This variant has not been reported in the literature in individuals affected with TNFSF12-related conditions. ClinVar contains an entry for this variant (Variation ID: 624092). An algorithm developed to predict the effect of missense changes on protein structure and function (PolyPhen-2) suggests that this variant is likely to be disruptive. In summary, the available evidence is currently insufficient to determine the role of this variant in disease. Therefore, it has been classified as a Variant of Uncertain Significance.

Ambry Genetics
Classification: Uncertain significance. Last evaluated: 2025-05-15. Review status: criteria provided, single submitter. Criteria: Ambry Variant Classification Scheme 2023. Collection method: clinical testing. Allele origin: germline.

PreventionGenetics, part of Exact Sciences
Classification: Uncertain significance for TNFSF12-related condition. Last evaluated: 2023-03-08. Review status: criteria provided, single submitter. Criteria: ACMG Guidelines, 2015. Collection method: clinical testing. Allele origin: germline.
Comment: The TNFSF12 c.674G>A variant is predicted to result in the amino acid substitution p.Arg225Gln. To our knowledge, this variant has not been reported in the literature. This variant is reported in 0.0033% of alleles in individuals of South Asian descent in gnomAD. At this time, the clinical significance of this variant is uncertain due to the absence of conclusive functional and genetic evidence.

CeGaT Center for Human Genetics Tuebingen
Classification: Likely benign. Last evaluated: 2018-05-01. Review status: criteria provided, single submitter. Criteria: CeGaT Center For Human Genetics Tuebingen Variant Classification Criteria Version 2. Collection method: clinical testing. Allele origin: germline. Affected: yes. Observed: 1 variant allele.